The following is an entry in ClinVar:

NM_001103.4(ACTN2):c.2443A>G (p.Ile815Val)

Gene: ACTN2 (actinin alpha 2; plus strand). Cytogenetic location: 1q43.
Variant type: single nucleotide variant.
Coding change: c.2443A>G on transcript NM_001103.4 (MANE Select); coding-DNA position 2443, A replaced by G.
Protein change: p.Ile815Val; replaces isoleucine 815 with valine.
Molecular consequence: missense variant.
Genome position (GRCh38, 1-based): chr1:236,761,090, A>G. VCF-style: chr1-236761090-A-G. GRCh37 (hg19) VCF-style: chr1-236924390-A-G.
Other names: c.2443A>G, p.Ile815Val (NM_001278343.2); c.1819A>G, p.Ile607Val (NM_001278344.2); c.1693A>G, p.Ile565Val (NM_001412150.1); short protein forms I565V, I607V, I815V.
Identifiers: ClinVar variation 1715062 (VCV001715062.6), dbSNP rs2527665213, ClinGen allele CA345391168.

ClinVar aggregate classification (germline): Uncertain significance (1 of 4 stars; one submission).

Conditions:
Dilated cardiomyopathy 1AA (CMD1AA). Also called: CARDIOMYOPATHY, DILATED, 1AA, WITH OR WITHOUT LEFT VENTRICULAR NONCOMPACTION; CARDIOMYOPATHY, FAMILIAL HYPERTROPHIC, 23, WITH OR WITHOUT LEFT VENTRICULAR NONCOMPACTION; Cardiomyopathy, dilated, 1AA, with or without LVNC. Identifiers: Orphanet 154, MedGen C2677338, MONDO:0012808, OMIM 612158.
Primary familial hypertrophic cardiomyopathy (HCM). Identifiers: Orphanet 99739, MedGen C0949658, MeSH D024741, MONDO:0024573. Inheritance: Various modes of inheritance.

Submission:

Labcorp Genetics (formerly Invitae), Labcorp
Classification: Uncertain significance for Primary familial hypertrophic cardiomyopathy; Dilated cardiomyopathy 1AA. Last evaluated: 2022-07-15. Review status: criteria provided, single submitter. Criteria: Invitae Variant Classification Sherloc (09022015). Collection method: clinical testing. Allele origin: germline.
Comment: In summary, the available evidence is currently insufficient to determine the role of this variant in disease. Therefore, it has been classified as a Variant of Uncertain Significance. Algorithms developed to predict the effect of missense changes on protein structure and function are either unavailable or do not agree on the potential impact of this missense change (SIFT: "Deleterious"; PolyPhen-2: "Benign"; Align-GVGD: "Class C25"). This variant has not been reported in the literature in individuals affected with ACTN2-related conditions. This variant is not present in population databases (gnomAD no frequency). This sequence change replaces isoleucine, which is neutral and non-polar, with valine, which is neutral and non-polar, at codon 815 of the ACTN2 protein (p.Ile815Val).